The following is an entry in ClinVar:

ClinVar aggregate classification (germline): Likely benign. Review status: criteria provided, multiple submitters, no conflicts (2 of 4 stars). 2 submissions from 2 submitters: Likely benign (2). Last evaluated 2026-02-25.

Conditions:
PKP2-related disorder. Also called: PKP2-related condition.

Allele frequency attached by ClinVar (database versions not stated): gnomAD exomes below 0.00001.

Submissions (2):

PreventionGenetics, part of Exact Sciences
Classification: Likely benign for PKP2-related condition. Last evaluated: 2026-02-25. Review status: criteria provided, single submitter. Criteria: ACMG Guidelines, 2015. Collection method: clinical testing. Allele origin: germline.
Comment: This variant is classified as likely benign based on ACMG/AMP sequence variant interpretation guidelines (Richards et al. 2015 PMID: 25741868, with internal and published modifications).

GeneDx
Classification: Likely benign. Last evaluated: 2018-05-02. Review status: criteria provided, single submitter. Criteria: GeneDx Variant Classification (06012015). Collection method: clinical testing. Allele origin: germline. Affected: yes.
Comment: This variant is considered likely benign or benign based on one or more of the following criteria: it is a conservative change, it occurs at a poorly conserved position in the protein, it is predicted to be benign by multiple in silico algorithms, and/or has population frequency not consistent with disease.

NM_001005242.3(PKP2):c.1674+9A>C

Gene: PKP2 (plakophilin 2; minus strand). Cytogenetic location: 12p11.21.
Variant type: single nucleotide variant.
Coding change: c.1674+9A>C on transcript NM_001005242.3 (MANE Select); 9 bases into the intron after coding-DNA position 1674, A replaced by C.
Molecular consequence: intron variant.
Genome position (GRCh38, 1-based): chr12:32,824,036, T>G on the plus strand (A>C on the coding strand, the complement: PKP2 is on the minus strand). VCF-style: chr12-32824036-T-G. GRCh37 (hg19) VCF-style: chr12-32976970-T-G.
Other names: c.1806+9A>C (NM_004572.4).
Identifiers: ClinVar variation 668153 (VCV000668153.2), dbSNP rs1212772447, ClinGen allele CA604225974.